The following is an entry in ClinVar:

ClinVar aggregate classification (germline): Pathogenic (1 of 4 stars; one submission).

Conditions:
Pierpont syndrome (PRPTS). Identifiers: Orphanet 487825, MedGen C1865644, MONDO:0011213, OMIM 602342.

Submission:

Labcorp Genetics (formerly Invitae), Labcorp
Classification: Pathogenic for Pierpont syndrome. Last evaluated: 2024-02-22. Review status: criteria provided, single submitter. Criteria: Invitae Variant Classification Sherloc (09022015). Collection method: clinical testing. Allele origin: germline.
Comment: This sequence change creates a premature translational stop signal (p.Thr261Leufs*4) in the TBL1XR1 gene. It is expected to result in an absent or disrupted protein product. Loss-of-function variants in TBL1XR1 are known to be pathogenic (PMID: 23160955, 26740553, 27824329). This variant is not present in population databases (gnomAD no frequency). This variant has not been reported in the literature in individuals affected with TBL1XR1-related conditions. For these reasons, this variant has been classified as Pathogenic.

Literature cited by the submitters: PubMed 23160955; PubMed 26740553; PubMed 27824329.

NM_024665.7(TBL1XR1):c.776_780dup (p.Thr261fs)

Genes: TBL1XR1 (TBL1X/Y related 1; minus strand), TBL1XR1-AS1 (TBL1XR1 antisense RNA 1; plus strand). Cytogenetic location: 3q26.32.
Variant type: Duplication.
Coding change: c.776_780dup on transcript NM_024665.7 (MANE Select); coding-DNA positions 776 to 780, 5 bases duplicated (CTAGC; older notation c.776_780dupCTAGC).
Protein change: p.Thr261fs; shifts the reading frame from threonine 261.
Molecular consequence: frameshift variant.
Genome position (GRCh38, 1-based): chr3:177,047,384-177,047,388, GCTAG duplicated on the plus strand (CTAGC on the coding strand, the reverse complement: TBL1XR1 is on the minus strand). VCF-style (leftmost placement, unchanged base first): chr3-177047383-T-TGCTAG. GRCh37 (hg19) VCF-style: chr3-176765171-T-TGCTAG.
Other names: c.776_780dup, p.Thr261fs (NM_001321193.3, NM_001321194.3, NM_001374327.1 and 2 more transcripts); c.515_519dup, p.Thr174fs (NM_001321195.3, NM_001374330.1); short protein forms T174fs, T261fs.
Identifiers: ClinVar variation 2760511 (VCV002760511.3), dbSNP rs2473701105, ClinGen allele CA2697556989.
Genomic context (GRCh38, chr3:177,047,383, plus strand): 5'-TGAAATTTCCTTTCTTATTCCATTTTAATGCAAATATAGGGCCTTTATGCTGCCCTAAGG[T>TGCTAG]GCTAGCAAGGTTACCTAAAATGCAAAAGAAAAACATTAACATTATTTTAAATTTTCTATC-3'